The following is an entry in ClinVar:

ClinVar aggregate classification (germline): Uncertain significance (3 of 4 stars; one submission).

Conditions:
Monogenic diabetes. Identifiers: Orphanet 183625, MedGen C3888631, MONDO:0015967.

Submission:

ClinGen Monogenic Diabetes Variant Curation Expert Panel
Classification: Uncertain significance for Monogenic diabetes. Last evaluated: 2024-10-13. Review status: reviewed by expert panel. Criteria: ClinGen Diabetes ACMG Specifications HNF1A V2.1.0. Collection method: curation. Allele origin: germline. Inheritance: Autosomal dominant inheritance.
Comment: The c.793T>C variant in the HNF1 homeobox A gene, HNF1A, causes an amino acid change of tyrosine to histidine at codon 265 (p.(Tyr265His)) of NM_000545.8. This variant is absent from gnomAD v2.1.1 and v4.1 (PM2_Supporting). The variant resides in an amino acid within the HNF1α DNA binding domain that directly binds DNA, which is defined as critical for the protein’s function by the ClinGen MDEP (PM1). This variant is predicted to be deleterious by computational evidence, with a REVEL score of 0.93, which is greater than the MDEP VCEP threshold of 0.70 (PP3). Other missense variants at this residue, c.794A>G, p.(Tyr265Cys) and c.794A>C, p.(Tyr265Ser) have been classified as a VUS by the ClinGen MDEP; therefore, PM5 will not be applied. In summary, c.793T>C meets the criteria to be classified as a variant of uncertain significance for monogenic diabetes. ACMG/AMP criteria applied, as specified by the ClinGen MDEP VCEP (specification version 2.1.0, approved 8/11/2023): PM2_Supporting, PM1, PP3.

NM_000545.8(HNF1A):c.793T>C (p.Tyr265His)

Gene: HNF1A (HNF1 homeobox A; plus strand). Cytogenetic location: 12q24.31.
Variant type: single nucleotide variant.
Coding change: c.793T>C on transcript NM_000545.8 (MANE Select); coding-DNA position 793, T replaced by C.
Protein change: p.Tyr265His; replaces tyrosine 265 with histidine.
Molecular consequence: missense variant.
Genome position (GRCh38, 1-based): chr12:120,994,243, T>C. VCF-style: chr12-120994243-T-C. GRCh37 (hg19) VCF-style: chr12-121432046-T-C.
Other names: NM_001306179.2:c.793T>C; c.793T>C, p.Tyr265His (NM_001306179.2, NM_001406915.1); short protein forms Y265H.
Identifiers: ClinVar variation 3370446 (VCV003370446.1).